The following is an entry in ClinVar:

NM_000051.4(ATM):c.62C>A (p.Thr21Lys)

Gene: ATM (ATM serine/threonine kinase; plus strand). Cytogenetic location: 11q22.3.
Variant type: single nucleotide variant.
Coding change: c.62C>A on transcript NM_000051.4 (MANE Select); coding-DNA position 62, C replaced by A.
Protein change: p.Thr21Lys; replaces threonine 21 with lysine.
Molecular consequence: missense variant.
Genome position (GRCh38, 1-based): chr11:108,227,686, C>A. VCF-style: chr11-108227686-C-A. GRCh37 (hg19) VCF-style: chr11-108098413-C-A.
Other names: c.62C>A, p.Thr21Lys (NM_001351834.2, NM_001351835.2, NM_001351836.2); short protein forms T21K.
Identifiers: ClinVar variation 2712123 (VCV002712123.3), dbSNP rs1442769051, ClinGen allele CA382519327.
Genomic context (GRCh38, chr11:108,227,686, plus strand): 5'-TGAGTCTAGTACTTAATGATCTGCTTATCTGCTGCCGTCAACTAGAACATGATAGAGCTA[C>A]AGAACGAAAGGTAGTAAATTACTTAAATTCAATTTTTCCTTGAAATAAGTGTGATTAGTA-3'
Protein context (NP_000042.3, residues 11-31): CCRQLEHDRA[Thr21Lys]ERKKEVEKFK

ClinVar aggregate classification (germline): Uncertain significance (1 of 4 stars; one submission).

Conditions:
Ataxia-telangiectasia syndrome (AT). Also called: ATAXIA-TELANGIECTASIA, COMPLEMENTATION GROUP A; ATAXIA-TELANGIECTASIA, FRESNO VARIANT; Ataxia-telangiectasia, complementation group D; LOUIS-BAR SYNDROME; AT, COMPLEMENTATION GROUP C; Ataxia-telangiectasia. Identifiers: Orphanet 100, MedGen C0004135, MONDO:0008840, OMIM 208900.

Submission:

Labcorp Genetics (formerly Invitae), Labcorp
Classification: Uncertain significance for Ataxia-telangiectasia syndrome. Last evaluated: 2024-02-01. Review status: criteria provided, single submitter. Criteria: Invitae Variant Classification Sherloc (09022015). Collection method: clinical testing. Allele origin: germline.
Comment: This sequence change replaces threonine, which is neutral and polar, with lysine, which is basic and polar, at codon 21 of the ATM protein (p.Thr21Lys). This variant is not present in population databases (gnomAD no frequency). This variant has not been reported in the literature in individuals affected with ATM-related conditions. Advanced modeling of protein sequence and biophysical properties (such as structural, functional, and spatial information, amino acid conservation, physicochemical variation, residue mobility, and thermodynamic stability) performed at Invitae indicates that this missense variant is not expected to disrupt ATM protein function with a negative predictive value of 95%. In summary, the available evidence is currently insufficient to determine the role of this variant in disease. Therefore, it has been classified as a Variant of Uncertain Significance.